The following is an entry in ClinVar:

NM_004991.4(MECOM):c.3676G>T (p.Ala1226Ser)

Gene: MECOM (MDS1 and EVI1 complex locus; minus strand). Cytogenetic location: 3q26.2.
Variant type: single nucleotide variant.
Coding change: c.3676G>T on transcript NM_004991.4 (MANE Select); coding-DNA position 3676, G replaced by T.
Protein change: p.Ala1226Ser; replaces alanine 1226 with serine.
Molecular consequence: missense variant.
Genome position (GRCh38, 1-based): chr3:169,084,953, C>A on the plus strand (G>T on the coding strand, the complement: MECOM is on the minus strand). VCF-style: chr3-169084953-C-A. GRCh37 (hg19) VCF-style: chr3-168802741-C-A.
Other names: c.3307G>T, p.Ala1103Ser (NM_001105077.4); c.3112G>T, p.Ala1038Ser (NM_001105078.4, NM_001205194.2, NM_001366469.2 and 1 more transcripts); c.3088G>T, p.Ala1030Ser (NM_001163999.2, NM_001366470.2); c.3085G>T, p.Ala1029Ser (NM_001164000.2, NM_001366471.2, NM_001366472.2); c.3649G>T, p.Ala1217Ser (NM_001366466.2); c.3115G>T, p.Ala1039Ser (NM_001366467.2, NM_001366468.2); c.2677G>T, p.Ala893Ser (NM_001366473.2); c.2113G>T, p.Ala705Ser (NM_001366474.2); short protein forms A1038S, A1030S, A1039S, A1103S, A705S, A893S, A1029S, A1217S.
Identifiers: ClinVar variation 4053312 (VCV004053312.1).

ClinVar aggregate classification (germline): Uncertain significance (1 of 4 stars; one submission).

Conditions:
Inborn genetic diseases. Identifiers: MedGen C0950123, MeSH D030342.

Submission:

Ambry Genetics
Classification: Uncertain significance for Inborn genetic diseases. Last evaluated: 2025-06-01. Review status: criteria provided, single submitter. Criteria: Ambry Variant Classification Scheme 2023. Collection method: clinical testing. Allele origin: germline.
Comment: The p.A1226S variant (also known as c.3676G>T), located in coding exon 17 of the MECOM gene, results from a G to T substitution at nucleotide position 3676. The alanine at codon 1226 is replaced by serine, an amino acid with similar properties. This amino acid position is conserved. In addition, this alteration is predicted to be tolerated by in silico analysis. Based on the available evidence, the clinical significance of this variant remains unclear.